The following is an entry in ClinVar:

ClinVar aggregate classification (germline): Uncertain significance (1 of 4 stars; one submission).

Conditions:
Congenital myasthenic syndrome 8. Also called: MYASTHENIC SYNDROME, CONGENITAL, DUE TO AGRIN DEFICIENCY; Myasthenic syndrome, congenital, 8, with pre- and postsynaptic defects. Identifiers: Orphanet 590, MedGen C3808739, MONDO:0014052, OMIM 615120.

Allele frequency attached by ClinVar (database versions not stated): gnomAD 0.00001; TOPMed below 0.00001.
gnomAD v4.1: 2 of 1,612,838 alleles (0.00012%); highest among the groups gnomAD compares: Admixed American, 0.0017%; no homozygotes.

Submission:

Labcorp Genetics (formerly Invitae), Labcorp
Classification: Uncertain significance for Congenital myasthenic syndrome 8. Last evaluated: 2021-02-17. Review status: criteria provided, single submitter. Criteria: Invitae Variant Classification Sherloc (09022015). Collection method: clinical testing. Allele origin: germline.
Comment: In summary, the available evidence is currently insufficient to determine the role of this variant in disease. Therefore, it has been classified as a Variant of Uncertain Significance. Algorithms developed to predict the effect of missense changes on protein structure and function are either unavailable or do not agree on the potential impact of this missense change (SIFT: "Deleterious"; PolyPhen-2: "Probably Damaging"; Align-GVGD: "Class C0"). This variant has not been reported in the literature in individuals with AGRN-related conditions. This variant is not present in population databases (ExAC no frequency). This sequence change replaces leucine with valine at codon 1176 of the AGRN protein (p.Leu1176Val). The leucine residue is highly conserved and there is a small physicochemical difference between leucine and valine.

NM_198576.4(AGRN):c.3526C>G (p.Leu1176Val)

Gene: AGRN (agrin; plus strand). Cytogenetic location: 1p36.33.
Variant type: single nucleotide variant.
Coding change: c.3526C>G on transcript NM_198576.4 (MANE Select); coding-DNA position 3526, C replaced by G.
Protein change: p.Leu1176Val; replaces leucine 1176 with valine.
Molecular consequence: missense variant.
Genome position (GRCh38, 1-based): chr1:1,047,582, C>G. VCF-style: chr1-1047582-C-G. GRCh37 (hg19) VCF-style: chr1-982962-C-G.
Other names: c.3526C>G, p.Leu1176Val (NM_001305275.2); c.3211C>G, p.Leu1071Val (NM_001364727.2); short protein forms L1176V, L1071V.
Identifiers: ClinVar variation 1522767 (VCV001522767.6), dbSNP rs1361747412, ClinGen allele CA337850472.
Genomic context (GRCh38, chr1:1,047,582, plus strand): 5'-GGCAGCCCGGCTTGGGCGGCCCCCCAAGTCCTTGCCTACTCCCTGCCACAGCTGGACGAC[C>G]TCTTCCGGAATTCAGACGTCAAGAAGGATTTTCGGAGTGTCCGCTTGCGGGACCTGGGGC-3'
Protein context (NP_940978.2, residues 1166-1186): ARSIESTLDD[Leu1176Val]FRNSDVKKDF